The following is an entry in ClinVar:

NM_206933.4(USH2A):c.10235A>T (p.His3412Leu)

Gene: USH2A (usherin; minus strand). Cytogenetic location: 1q41.
Variant type: single nucleotide variant.
Coding change: c.10235A>T on transcript NM_206933.4 (MANE Select); coding-DNA position 10235, A replaced by T.
Protein change: p.His3412Leu; replaces histidine 3412 with leucine.
Molecular consequence: missense variant.
Genome position (GRCh38, 1-based): chr1:215,786,822, T>A on the plus strand (A>T on the coding strand, the complement: USH2A is on the minus strand). VCF-style: chr1-215786822-T-A. GRCh37 (hg19) VCF-style: chr1-215960164-T-A.
Other names: short protein forms H3412L.
Identifiers: ClinVar variation 1962265 (VCV001962265.3), dbSNP rs2464408300, ClinGen allele CA344840311.

ClinVar aggregate classification (germline): Uncertain significance (1 of 4 stars; one submission).

Allele frequency attached by ClinVar (database versions not stated): gnomAD exomes below 0.00001.
gnomAD v4.1: 2 of 1,613,898 alleles (0.00012%); highest among the groups gnomAD compares: African/African-American, 0.0027%; no homozygotes.

Submission:

Labcorp Genetics (formerly Invitae), Labcorp
Classification: Uncertain significance. Last evaluated: 2022-03-26. Review status: criteria provided, single submitter. Criteria: Invitae Variant Classification Sherloc (09022015). Collection method: clinical testing. Allele origin: germline.
Comment: In summary, the available evidence is currently insufficient to determine the role of this variant in disease. Therefore, it has been classified as a Variant of Uncertain Significance. This sequence change replaces histidine, which is basic and polar, with leucine, which is neutral and non-polar, at codon 3412 of the USH2A protein (p.His3412Leu). This variant is not present in population databases (gnomAD no frequency). This variant has not been reported in the literature in individuals affected with USH2A-related conditions. Algorithms developed to predict the effect of missense changes on protein structure and function are either unavailable or do not agree on the potential impact of this missense change (SIFT: "Deleterious"; PolyPhen-2: "Benign"; Align-GVGD: "Class C0").